The following is an entry in ClinVar:

NM_007294.4(BRCA1):c.1384_1393dup (p.Tyr465fs)

Gene: BRCA1 (BRCA1 DNA repair associated; minus strand). Cytogenetic location: 17q21.31.
Variant type: Duplication.
Coding change: c.1384_1393dup on transcript NM_007294.4 (MANE Select); coding-DNA positions 1384 to 1393, 10 bases duplicated (GGGAAAACCT; older notation c.1384_1393dupGGGAAAACCT).
Protein change: p.Tyr465fs; shifts the reading frame from tyrosine 465.
Molecular consequence: frameshift variant. On other transcripts: intron variant (137).
Genome position (GRCh38, 1-based): chr17:43,094,138-43,094,147, AGGTTTTCCC duplicated on the plus strand (GGGAAAACCT on the coding strand, the reverse complement: BRCA1 is on the minus strand); duplicating any 10 consecutive bases within chr17:43,094,138-43,094,148 gives the same sequence; the c. name uses the placement nearest the transcript's 3' end. VCF-style (leftmost placement, unchanged base first): chr17-43094137-T-TAGGTTTTCCC. GRCh37 (hg19) VCF-style: chr17-41246154-T-TAGGTTTTCCC.
Other names: c.1384_1393dupGGGAAAACCT (NM_007294.3); c.460+1699_460+1708dup (NM_001408506.1, NM_001408507.1); c.577+597_577+606dup (NM_001408481.1, NM_001408480.1, NM_001408492.1 and 9 more transcripts); c.778+597_778+606dup (NM_001408408.1); c.661+597_661+606dup (NM_001408446.1, NM_001408435.1, NM_001408448.1 and 6 more transcripts); c.784+597_784+606dup (NM_001408401.1, NM_001408396.1, NM_001407985.1 and 13 more transcripts); c.548-3115_548-3106dup (NM_001408494.1); c.664+597_664+606dup (NM_001408444.1, NM_001408438.1, NM_001408430.1 and 12 more transcripts); and 41 more; short protein forms Y418fs, Y465fs, Y394fs, Y398fs, Y417fs, Y423fs, Y438fs, Y297fs.
Identifiers: ClinVar variation 54231 (VCV000054231.3), dbSNP rs397508864, ClinGen allele CA026488.

ClinVar aggregate classification (germline): Pathogenic. Review status: reviewed by expert panel (3 of 4 stars). 2 submissions from 2 submitters: Pathogenic (1). 1 of the submissions does not count toward it. Last evaluated 2017-12-15.

Conditions:
Hereditary breast ovarian cancer syndrome. Also called: Hereditary breast and ovarian cancer syndrome (HBOC); Hereditary breast and ovarian cancer syndrome; Hereditary breast and ovarian cancer; Hereditary breast and/or ovarian cancer syndrome; Breast and ovarian cancer; BRCA1- and BRCA2-Associated Hereditary Breast and Ovarian Cancer. Identifiers: Orphanet 145, MedGen C0677776, MeSH D061325, MONDO:0003582. Disease mechanism: loss of function.
Breast-ovarian cancer, familial, susceptibility to, 1 (BROVCA1). Also called: OVARIAN CANCER, SUSCEPTIBILITY TO; BRCA1 Hereditary Breast and Ovarian Cancer. Identifiers: Orphanet 145, MedGen C2676676, MONDO:0011450, OMIM 604370. Disease mechanism: loss of function.

Submissions (2):

Evidence-based Network for the Interpretation of Germline Mutant Alleles (ENIGMA)
Classification: Pathogenic for Breast-ovarian cancer, familial, susceptibility to, 1. Last evaluated: 2017-12-15. Review status: reviewed by expert panel. Criteria: ENIGMA BRCA1/2 Classification Criteria (2017-06-29). Collection method: curation. Allele origin: germline. Study: ENIGMA.
Comment: Variant allele predicted to encode a truncated non-functional protein.

Research Molecular Genetics Laboratory, Women's College Hospital, University of Toronto
Classification: Pathogenic for Hereditary breast ovarian cancer syndrome. Last evaluated: 2014-01-31. Review status: no assertion criteria provided. Collection method: research. Allele origin: germline. Affected: yes. Study: The Canadian Open Genetics Repository (COGR). Not counted in ClinVar's aggregate classification.